The following is an entry in ClinVar:

ClinVar aggregate classification (germline): Uncertain significance (1 of 4 stars; one submission).

Submission:

GeneDx
Classification: Uncertain significance. Last evaluated: 2022-06-25. Review status: criteria provided, single submitter. Criteria: GeneDx Variant Classification Process June 2021. Collection method: clinical testing. Allele origin: germline. Affected: yes.
Comment: Not observed at significant frequency in large population cohorts (gnomAD); In silico analysis supports that this missense variant does not alter protein structure/function; Has not been previously published as pathogenic or benign to our knowledge.

NM_001360016.2(G6PD):c.1537C>T (p.His513Tyr)

Gene: G6PD (glucose-6-phosphate dehydrogenase; minus strand). Cytogenetic location: Xq28.
Variant type: single nucleotide variant.
Coding change: c.1537C>T on transcript NM_001360016.2 (MANE Select); coding-DNA position 1537, C replaced by T.
Protein change: p.His513Tyr; replaces histidine 513 with tyrosine.
Molecular consequence: missense variant.
Genome position (GRCh38, 1-based): chrX:154,532,011, G>A on the plus strand (C>T on the coding strand, the complement: G6PD is on the minus strand). VCF-style: chrX-154532011-G-A. GRCh37 (hg19) VCF-style: chrX-153760226-G-A.
Other names: c.1627C>T, p.His543Tyr (NM_000402.4); c.1537C>T, p.His513Tyr (NM_001042351.3); short protein forms H513Y, H543Y.
Identifiers: ClinVar variation 1809844 (VCV001809844.1), dbSNP rs2523260427, ClinGen allele CA415231743.